The following is an entry in ClinVar:

ClinVar aggregate classification (germline): Uncertain significance (1 of 4 stars; one submission).

Conditions:
Thrombomodulin-related bleeding disorder (THPH12). Also called: Thrombophilia due to thrombomodulin defect. Identifiers: Orphanet 436169, MedGen C3280976, MONDO:0013775, OMIM 614486.

Submission:

Genomenon, Inc
Classification: Uncertain significance for Thrombomodulin-related bleeding disorder. Last evaluated: 2025-09-22. Review status: criteria provided, single submitter. Criteria: Genomenon Sequence Variant Interpretation Standards - Updated. Collection method: curation. Allele origin: germline. Affected: no.
Comment: THBD p.Gln405Pro (c.1214A>C) is a missense variant that changes the amino acid at residue 405 from Glutamine to Proline. This variant has been reported in the published literature (PMID:10801821). It is absent or not present at a significant frequency in gnomAD. In silico models agree that this variant is not damaging. In conclusion, we classify THBD p.Gln405Pro (c.1214A>C) as a variant of unknown significance.

Literature cited by the submitters: PubMed 10801821.

NM_000361.3(THBD):c.1214A>C (p.Gln405Pro)

Gene: THBD (thrombomodulin; minus strand). Cytogenetic location: 20p11.21.
Variant type: single nucleotide variant.
Coding change: c.1214A>C on transcript NM_000361.3 (MANE Select); coding-DNA position 1214, A replaced by C.
Protein change: p.Gln405Pro; replaces glutamine 405 with proline.
Molecular consequence: missense variant.
Genome position (GRCh38, 1-based): chr20:23,048,291, T>G on the plus strand (A>C on the coding strand, the complement: THBD is on the minus strand). VCF-style: chr20-23048291-T-G. GRCh37 (hg19) VCF-style: chr20-23028928-T-G.
Other names: short protein forms Q405P.
Identifiers: ClinVar variation 4280589 (VCV004280589.1).